The following is an entry in ClinVar:

NM_004385.5(VCAN):c.6943G>C (p.Val2315Leu)

Genes: VCAN (versican; plus strand), VCAN-AS1 (VCAN antisense RNA 1; minus strand). Cytogenetic location: 5q14.3.
Variant type: single nucleotide variant.
Coding change: c.6943G>C on transcript NM_004385.5 (MANE Select); coding-DNA position 6943, G replaced by C.
Protein change: p.Val2315Leu; replaces valine 2315 with leucine.
Molecular consequence: missense variant. On other transcripts: intron variant (2).
Genome position (GRCh38, 1-based): chr5:83,539,946, G>C. VCF-style: chr5-83539946-G-C. GRCh37 (hg19) VCF-style: chr5-82835765-G-C.
Other names: c.3982G>C, p.Val1328Leu (NM_001164097.2); c.4004-5591G>C (NM_001164098.2); c.1043-5591G>C (NM_001126336.3); short protein forms V2315L, V1328L.
Identifiers: ClinVar variation 354436 (VCV000354436.18), dbSNP rs3734094, ClinGen allele CA3333551.

ClinVar aggregate classification (germline): Benign/Likely benign. Review status: criteria provided, multiple submitters, no conflicts (2 of 4 stars). 4 submissions from 4 submitters: Benign (1); Likely benign (3). Last evaluated 2025-12-05.

Conditions:
VCAN-related disorder. Also called: VCAN-related condition.
Vitreoretinopathy. Also called: Vitreoretinal degeneration. Identifiers: MedGen C0344290, MONDO:0020248, HP:0007773.

Allele frequency attached by ClinVar (database versions not stated): gnomAD 0.00003; TOPMed 0.00012; 1000 Genomes Project 30x 0.00219; 1000 Genomes Project 0.00280.
gnomAD v4.1: 918 of 1,614,082 alleles (0.057%); highest among the groups gnomAD compares: East Asian, 2%; 27 homozygotes.

Submissions (4):

Labcorp Genetics (formerly Invitae), Labcorp
Classification: Likely benign. Last evaluated: 2025-12-05. Review status: criteria provided, single submitter. Criteria: Invitae Variant Classification Sherloc (09022015). Collection method: clinical testing. Allele origin: germline.

PreventionGenetics, part of Exact Sciences
Classification: Likely benign for VCAN-related condition. Last evaluated: 2025-08-15. Review status: criteria provided, single submitter. Criteria: ACMG Guidelines, 2015. Collection method: clinical testing. Allele origin: germline.
Comment: This variant is classified as likely benign based on ACMG/AMP sequence variant interpretation guidelines (Richards et al. 2015 PMID: 25741868, with internal and published modifications).

Blueprint Genetics
Classification: Likely benign. Last evaluated: 2022-02-28. Review status: criteria provided, single submitter. Criteria: ACMG Guidelines, 2015. Collection method: clinical testing. Allele origin: germline.

Illumina Laboratory Services, Illumina
Classification: Benign for Vitreoretinopathy. Last evaluated: 2018-01-12. Review status: criteria provided, single submitter. Criteria: ICSL Variant Classification Criteria 13 December 2019. Collection method: clinical testing. Allele origin: germline.
Comment: This variant was observed in the ICSL laboratory as part of a predisposition screen in an ostensibly healthy population. It had not been previously curated by ICSL or reported in the Human Gene Mutation Database (HGMD: prior to June 1st, 2018), and was therefore a candidate for classification through an automated scoring system. Utilizing variant allele frequency, disease prevalence and penetrance estimates, and inheritance mode, an automated score was calculated to assess if this variant is too frequent to cause the disease. Based on the score and internal cut-off values, a variant classified as benign is not then subjected to further curation. The score for this variant resulted in a classification of benign for this disease.